The following is an entry in ClinVar:

NM_001267550.2(TTN):c.105769G>A (p.Glu35257Lys)

Genes: TTN (titin; minus strand), TTN-AS1 (TTN antisense RNA 1; plus strand), LOC129935183 (ATAC-STARR-seq lymphoblastoid active region 16808; plus strand). Cytogenetic location: 2q31.2.
Variant type: single nucleotide variant.
Coding change: c.105769G>A on transcript NM_001267550.2 (MANE Select); coding-DNA position 105769, G replaced by A.
Protein change: p.Glu35257Lys; replaces glutamic acid 35257 with lysine.
Molecular consequence: missense variant.
Genome position (GRCh38, 1-based): chr2:178,530,846, C>T on the plus strand (G>A on the coding strand, the complement: TTN is on the minus strand). VCF-style: chr2-178530846-C-T. GRCh37 (hg19) VCF-style: chr2-179395573-C-T.
Other names: p.E32689K:GAA>AAA; c.78574G>A, p.Glu26192Lys (NM_003319.4); c.98065G>A, p.Glu32689Lys (NM_133378.4); c.78949G>A, p.Glu26317Lys (NM_133432.3); c.79150G>A, p.Glu26384Lys (NM_133437.4); c.100846G>A, p.Glu33616Lys (NM_001256850.1); short protein forms E35257K, E32689K, E33616K, E26192K, E26317K, E26384K.
Identifiers: ClinVar variation 47699 (VCV000047699.56), dbSNP rs56324595, ClinGen allele CA284343.

ClinVar aggregate classification (germline): Benign/Likely benign. Review status: criteria provided, multiple submitters, no conflicts (2 of 4 stars). 28 submissions from 21 submitters: Benign (15); Likely benign (7). 6 of the submissions do not count toward it. Last evaluated 2026-03-27.

Conditions:
Dilated cardiomyopathy 1G (CMD1G). Identifiers: Orphanet 154, MedGen C1858763, MONDO:0011400, OMIM 604145.
Autosomal recessive limb-girdle muscular dystrophy type 2J (LGMDR10). Also called: MUSCULAR DYSTROPHY, LIMB-GIRDLE, AUTOSOMAL RECESSIVE 10; Limb-girdle muscular dystrophy, type 2J. Identifiers: Orphanet 140922, MedGen C1837342, MONDO:0012127, OMIM 608807.
Cardiovascular phenotype. Identifiers: MedGen CN230736.
Early-onset myopathy with fatal cardiomyopathy (CMYO5). Also called: CONGENITAL MYOPATHY 5 WITH CARDIOMYOPATHY; Salih Myopathy. Identifiers: Orphanet 289377, MedGen C2673677, MONDO:0012714, OMIM 611705. Disease mechanism: loss of function.
Myopathy, myofibrillar, 9, with early respiratory failure (MFM9). Also called: Myopathy, distal, with early respiratory failure, autosomal dominant; Hereditary myopathy with early respiratory failure; MYOPATHY, PROXIMAL, WITH EARLY RESPIRATORY MUSCLE INVOLVEMENT; EDSTROM MYOPATHY. Identifiers: Orphanet 178464, Orphanet 34521, MedGen C1863599, MONDO:0011362, OMIM 603689.
Tibial muscular dystrophy (TMD). Also called: Udd Distal Myopathy – Tibial Muscular Dystrophy; Tibial muscular dystrophy, tardive; UDD MYOPATHY. Identifiers: Orphanet 609, MedGen C1838244, MONDO:0010870, OMIM 600334.

Allele frequency attached by ClinVar (database versions not stated): ESP Exome Variant Server 0.01275; gnomAD exomes 0.01801 and 0.01365; ExAC 0.01394; TOPMed 0.01172; 1000 Genomes Project 0.00659; 1000 Genomes Project 30x 0.00687; gnomAD 0.01324 and 0.01363.
gnomAD v4.1: 28,170 of 1,613,672 alleles (1.7%); highest among the groups gnomAD compares: Non-Finnish European, 2%; 315 homozygotes.

Submissions (28):

Molecular Diagnostic Laboratory for Inherited Cardiovascular Disease, Montreal Heart Institute
Classification: Likely benign. Last evaluated: 2026-03-27. Review status: criteria provided, single submitter. Criteria: ACMG Guidelines, 2015. Collection method: clinical testing. Allele origin: germline. Affected: no.

Labcorp Genetics (formerly Invitae), Labcorp
Classification: Benign for Dilated cardiomyopathy 1G; Autosomal recessive limb-girdle muscular dystrophy type 2J. Last evaluated: 2026-02-04. Review status: criteria provided, single submitter. Criteria: Invitae Variant Classification Sherloc (09022015). Collection method: clinical testing. Allele origin: germline.

ARUP Laboratories, Molecular Genetics and Genomics, ARUP Laboratories
Classification: Benign. Last evaluated: 2025-05-01. Review status: criteria provided, single submitter. Criteria: ARUP Molecular Germline Variant Investigation Process 2024. Collection method: clinical testing. Allele origin: germline.

Blueprint Genetics
Classification: Likely benign. Last evaluated: 2024-11-26. Review status: criteria provided, single submitter. Criteria: ACMG Guidelines, 2015. Collection method: clinical testing. Allele origin: germline.

Athena Diagnostics
Classification: Benign. Last evaluated: 2024-04-25. Review status: criteria provided, single submitter. Criteria: Athena Diagnostics Criteria. Collection method: clinical testing. Allele origin: unknown.

Genome-Nilou Lab
Classification: Benign for Autosomal recessive limb-girdle muscular dystrophy type 2J. Last evaluated: 2021-09-10. Review status: criteria provided, single submitter. Criteria: ACMG Guidelines, 2015. Collection method: clinical testing. Allele origin: germline. Affected: no.

Genome-Nilou Lab
Classification: Benign for Myopathy, myofibrillar, 9, with early respiratory failure. Last evaluated: 2021-09-10. Review status: criteria provided, single submitter. Criteria: ACMG Guidelines, 2015. Collection method: clinical testing. Allele origin: germline. Affected: no.

Genome-Nilou Lab
Classification: Benign for Early-onset myopathy with fatal cardiomyopathy. Last evaluated: 2021-09-10. Review status: criteria provided, single submitter. Criteria: ACMG Guidelines, 2015. Collection method: clinical testing. Allele origin: germline. Affected: no.

Genome-Nilou Lab
Classification: Benign for Tibial muscular dystrophy. Last evaluated: 2021-09-10. Review status: criteria provided, single submitter. Criteria: ACMG Guidelines, 2015. Collection method: clinical testing. Allele origin: germline. Affected: no.

Women's Health and Genetics/Laboratory Corporation of America, LabCorp
Classification: Likely benign. Last evaluated: 2020-08-27. Review status: criteria provided, single submitter. Criteria: LabCorp Variant Classification Summary - May 2015. Collection method: clinical testing. Allele origin: germline.

Illumina Laboratory Services, Illumina
Classification: Likely benign for Early-onset myopathy with fatal cardiomyopathy. Last evaluated: 2018-01-13. Review status: criteria provided, single submitter. Criteria: ICSL Variant Classification Criteria 13 December 2019. Collection method: clinical testing. Allele origin: germline.
Comment: This variant was observed in the ICSL laboratory as part of a predisposition screen in an ostensibly healthy population. It had not been previously curated by ICSL or reported in the Human Gene Mutation Database (HGMD: prior to June 1st, 2018), and was therefore a candidate for classification through an automated scoring system. Utilizing variant allele frequency, disease prevalence and penetrance estimates, and inheritance mode, an automated score was calculated to assess if this variant is too frequent to cause the disease. Based on the score and internal cut-off values, a variant classified as likely benign is not then subjected to further curation. The score for this variant resulted in a classification of likely benign for this disease.

Illumina Laboratory Services, Illumina
Classification: Benign for Tibial muscular dystrophy. Last evaluated: 2018-01-13. Review status: criteria provided, single submitter. Criteria: ICSL Variant Classification Criteria 13 December 2019. Collection method: clinical testing. Allele origin: germline.
Comment: This variant was observed in the ICSL laboratory as part of a predisposition screen in an ostensibly healthy population. It had not been previously curated by ICSL or reported in the Human Gene Mutation Database (HGMD: prior to June 1st, 2018), and was therefore a candidate for classification through an automated scoring system. Utilizing variant allele frequency, disease prevalence and penetrance estimates, and inheritance mode, an automated score was calculated to assess if this variant is too frequent to cause the disease. Based on the score and internal cut-off values, a variant classified as benign is not then subjected to further curation. The score for this variant resulted in a classification of benign for this disease.

Illumina Laboratory Services, Illumina
Classification: Likely benign for Autosomal recessive limb-girdle muscular dystrophy type 2J. Last evaluated: 2018-01-13. Review status: criteria provided, single submitter. Criteria: ICSL Variant Classification Criteria 13 December 2019. Collection method: clinical testing. Allele origin: germline.
Comment: the same text as in the submission from Illumina Laboratory Services, Illumina above.

Illumina Laboratory Services, Illumina
Classification: Benign for Myopathy, myofibrillar, 9, with early respiratory failure. Last evaluated: 2018-01-13. Review status: criteria provided, single submitter. Criteria: ICSL Variant Classification Criteria 13 December 2019. Collection method: clinical testing. Allele origin: germline.
Comment: the same text as in the submission from Illumina Laboratory Services, Illumina above.

Illumina Laboratory Services, Illumina
Classification: Likely benign for Dilated cardiomyopathy 1G. Last evaluated: 2018-01-13. Review status: criteria provided, single submitter. Criteria: ICSL Variant Classification Criteria 13 December 2019. Collection method: clinical testing. Allele origin: germline.
Comment: the same text as in the submission from Illumina Laboratory Services, Illumina above.

Mayo Clinic Laboratories, Mayo Clinic
Classification: Benign. Last evaluated: 2017-12-04. Review status: criteria provided, single submitter. Criteria: ACMG Guidelines, 2015. Collection method: clinical testing. Allele origin: germline. Observed: 77 variant alleles.

PreventionGenetics, part of Exact Sciences
Classification: Benign. Last evaluated: 2016-02-11. Review status: criteria provided, single submitter. Criteria: ACMG Guidelines, 2015. Collection method: clinical testing. Allele origin: germline.

Biesecker Lab/Clinical Genomics Section, National Institutes of Health
Classification: Benign. Last evaluated: 2013-06-24. Review status: criteria provided, single submitter. Criteria: Ng et al. (Circ Cardiovasc Genet. 2013). Collection method: research. Allele origin: unknown. Observed: 14 variant alleles. Study: ClinSeq.
Comment: The study set was not selected for affection status in relation to any cancer. Pathogenicity categories were based on literature curation. See Pubmed ID:23861362 for details.

Medical sequencing

Ambry Genetics
Classification: Benign for Cardiovascular phenotype. Last evaluated: 2013-01-16. Review status: criteria provided, single submitter. Criteria: Ambry Autosomal Dominant and X-Linked criteria (10/2015). Collection method: clinical testing. Allele origin: germline. Observed: 1 variant allele.

GeneDx
Classification: Benign. Last evaluated: 2012-10-24. Review status: criteria provided, single submitter. Criteria: GeneDx Variant Classification (06012015). Collection method: clinical testing. Allele origin: germline. Affected: yes.
Comment: This variant is considered likely benign or benign based on one or more of the following criteria: it is a conservative change, it occurs at a poorly conserved position in the protein, it is predicted to be benign by multiple in silico algorithms, and/or has population frequency not consistent with disease.

Laboratory for Molecular Medicine, Mass General Brigham Personalized Medicine
Classification: Benign. Last evaluated: 2012-04-24. Review status: criteria provided, single submitter. Criteria: LMM Criteria. Collection method: clinical testing. Allele origin: germline. Observed: 51 variant alleles.
Comment: Glu32689Lys in exon 307 of TTN: This variant is not expected to have clinical si gnificance because it has been identified in 1.7% (113/6610) of European America n chromosomes from a broad population by the NHLBI Exome Sequencing Project.

Breakthrough Genomics
Classification: Likely benign. Review status: criteria provided, single submitter. Criteria: ACMG Guidelines, 2015. Collection method: not provided. Allele origin: germline. Inheritance: Autosomal recessive inheritance. Affected: yes.

Clinical Genetics, Academic Medical Center
Classification: Benign. Review status: no assertion criteria provided. Collection method: clinical testing. Allele origin: germline. Affected: yes. Study: VKGL Data-share Consensus. Not counted in ClinVar's aggregate classification.

Diagnostic Laboratory, Department of Genetics, University Medical Center Groningen
Classification: Likely benign. Review status: no assertion criteria provided. Collection method: clinical testing. Allele origin: germline. Affected: yes. Study: VKGL Data-share Consensus. Not counted in ClinVar's aggregate classification.

Genetic Services Laboratory, University of Chicago
Classification: Likely benign for AllHighlyPenetrant. Review status: no assertion criteria provided. Collection method: clinical testing. Allele origin: germline. Not counted in ClinVar's aggregate classification.
Comment: Likely benign based on allele frequency in 1000 Genomes Project or ESP global frequency and its presence in a patient with a rare or unrelated disease phenotype. NOT Sanger confirmed.

Genome Diagnostics Laboratory, University Medical Center Utrecht
Classification: Likely benign. Review status: no assertion criteria provided. Collection method: clinical testing. Allele origin: germline. Affected: yes. Study: VKGL Data-share Consensus. Not counted in ClinVar's aggregate classification.

Joint Genome Diagnostic Labs from Nijmegen and Maastricht, Radboudumc and MUMC+
Classification: Benign. Review status: no assertion criteria provided. Collection method: clinical testing. Allele origin: germline. Affected: yes. Study: VKGL Data-share Consensus. Not counted in ClinVar's aggregate classification.

Laboratory of Diagnostic Genome Analysis, Leiden University Medical Center (LUMC)
Classification: Likely benign. Review status: no assertion criteria provided. Collection method: clinical testing. Allele origin: germline. Affected: yes. Study: VKGL Data-share Consensus. Not counted in ClinVar's aggregate classification.